The following is an entry in ClinVar:

NC_000001.11:g.230702930G>A

Gene: AGT (angiotensinogen; minus strand). Cytogenetic location: 1q42.2.
Variant type: single nucleotide variant.
Genome position: GRCh38 VCF-style: chr1-230702930-G-A. GRCh37 (hg19) VCF-style: chr1-230838676-G-A.
Other names: NM_000029.3:c.*211C>T.
Identifiers: ClinVar variation 875819 (VCV000875819.4), dbSNP rs371105256, ClinGen allele CA38863236.
Genomic context (GRCh38, chr1:230,702,930, plus strand): 5'-TTGCCTCCCCACCCCCATTCTCTAAAATAAACCCAGCAAACTGGGAGGTGCATTTGTGCC[G>A]CTGCAGGCTTCTACTGCTCACTCCATGCAGCACACTTAGACCAAGGAGAAACGGCTGCTT-3'

ClinVar aggregate classification (germline): Likely benign (1 of 4 stars; one submission).

Conditions:
Renal tubular dysgenesis. Also called: Renotubular dysgenesis. Identifiers: Orphanet 3033, MedGen C0266313, MONDO:0017609, HP:0008660.

Allele frequency attached by ClinVar (database versions not stated): 1000 Genomes Project 0.00240; TOPMed 0.00044; 1000 Genomes Project 30x 0.00187.

Submission:

Illumina Laboratory Services, Illumina
Classification: Likely benign for Renal tubular dysgenesis of genetic origin. Last evaluated: 2018-01-13. Review status: criteria provided, single submitter. Criteria: ICSL Variant Classification Criteria 13 December 2019. Collection method: clinical testing. Allele origin: germline.
Comment: This variant was observed in the ICSL laboratory as part of a predisposition screen in an ostensibly healthy population. It had not been previously curated by ICSL or reported in the Human Gene Mutation Database (HGMD: prior to June 1st, 2018), and was therefore a candidate for classification through an automated scoring system. Utilizing variant allele frequency, disease prevalence and penetrance estimates, and inheritance mode, an automated score was calculated to assess if this variant is too frequent to cause the disease. Based on the score and internal cut-off values, a variant classified as likely benign is not then subjected to further curation. The score for this variant resulted in a classification of likely benign for this disease.